The following is an entry in ClinVar:

NM_001384140.1(PCDH15):c.3251del (p.Asn1084fs)

Gene: PCDH15 (protocadherin related 15; minus strand). Cytogenetic location: 10q21.1.
Variant type: Deletion.
Coding change: c.3251del on transcript NM_001384140.1 (MANE Select); coding-DNA position 3251, one base deleted (A; older notation c.3251delA).
Protein change: p.Asn1084fs; shifts the reading frame from asparagine 1084.
Molecular consequence: frameshift variant.
Genome position (GRCh38, 1-based): chr10:53,938,937, T deleted on the plus strand (A on the coding strand, the reverse complement: PCDH15 is on the minus strand); the first of 2 consecutive T bases (chr10:53,938,937-53,938,938); deleting either gives the same sequence. VCF-style (leftmost placement, unchanged base first): chr10-53938936-GT-G. GRCh37 (hg19) VCF-style: chr10-55698696-GT-G.
Other names: c.3266del, p.Asn1089fs (NM_001142763.2, NM_001142771.2); c.3251del, p.Asn1084fs (NM_001142764.2, NM_001142766.2, NM_001142770.3 and 4 more transcripts); c.3038del, p.Asn1013fs (NM_001142765.2); c.3140del, p.Asn1047fs (NM_001142767.2); c.3185del, p.Asn1062fs (NM_001142768.2, NM_001142773.2, NM_001354404.2); c.3286delA, p.Asn1096Thrfs (NM_001142769.4); c.3272del, p.Asn1091fs (NM_001354411.2); short protein forms N1013fs, N1084fs, N1091fs, N1047fs, N1062fs, N1089fs, N1096fs.
Identifiers: ClinVar variation 1997540 (VCV001997540.4), dbSNP rs2494605326, ClinGen allele CA2580081613.
Genomic context (GRCh38, chr10:53,938,936, plus strand): 5'-TACATAGCTTGTCCTGGTCTCATAATCCAGAGGTCCATTCACATAGATAACACCTGTGAT[GT>G]TATTAATTCCAAATGTATCTAGAAATTAAAATACAATTACCTGGTCATTGTCTTTACGCT-3'

ClinVar aggregate classification (germline): Pathogenic (1 of 4 stars; one submission).

Submission:

Labcorp Genetics (formerly Invitae), Labcorp
Classification: Pathogenic. Last evaluated: 2023-10-08. Review status: criteria provided, single submitter. Criteria: Invitae Variant Classification Sherloc (09022015). Collection method: clinical testing. Allele origin: germline.
Comment: This sequence change creates a premature translational stop signal (p.Asn1084Thrfs*8) in the PCDH15 gene. It is expected to result in an absent or disrupted protein product. Loss-of-function variants in PCDH15 are known to be pathogenic (PMID: 11398101, 11487575, 14570705). This variant is not present in population databases (gnomAD no frequency). This variant has not been reported in the literature in individuals affected with PCDH15-related conditions. ClinVar contains an entry for this variant (Variation ID: 1997540). For these reasons, this variant has been classified as Pathogenic.

Literature cited by the submitters: PubMed 11398101; PubMed 11487575; PubMed 14570705.